The following is an entry in ClinVar:

NM_000834.5(GRIN2B):c.1664G>T (p.Ser555Ile)

Gene: GRIN2B (glutamate ionotropic receptor NMDA type subunit 2B; minus strand). Cytogenetic location: 12p13.1.
Variant type: single nucleotide variant.
Coding change: c.1664G>T on transcript NM_000834.5 (MANE Select); coding-DNA position 1664, G replaced by T.
Protein change: p.Ser555Ile; replaces serine 555 with isoleucine.
Molecular consequence: missense variant.
Genome position (GRCh38, 1-based): chr12:13,611,841, C>A on the plus strand (G>T on the coding strand, the complement: GRIN2B is on the minus strand). VCF-style: chr12-13611841-C-A. GRCh37 (hg19) VCF-style: chr12-13764775-C-A.
Other names: short protein forms S555I.
Identifiers: ClinVar variation 916602 (VCV000916602.3), dbSNP rs1949369220, ClinGen allele CA384051632.

ClinVar aggregate classification (germline): Likely pathogenic (1 of 4 stars; one submission).

Conditions:
Intellectual developmental disorder, autosomal dominant 6, with or without seizures. Also called: GRIN2B-related developmental delay, intellectual disability and autism spectrum disorder; Intellectual disability, autosomal dominant 6. Identifiers: Orphanet 589547, MedGen C3151411, MONDO:0013509, OMIM 613970.
Complex neurodevelopmental disorder. Identifiers: Orphanet 528084, MedGen C5568766, MONDO:0100038.

Submission:

Institute of Human Genetics, University of Leipzig Medical Center
Classification: Likely pathogenic for Intellectual developmental disorder, autosomal dominant 6, with or without seizures. Last evaluated: 2017-04-04. Review status: criteria provided, single submitter. Criteria: ACMG Guidelines, 2015. Collection method: clinical testing. Allele origin: de novo. Affected: yes.
Comment: This variant was identified as de novo (maternity and paternity confirmed).

Literature cited by the submitters: PubMed 28377535 (cited by Institute of Human Genetics, University of Leipzig Medical Center).